The following is an entry in ClinVar:

NM_025074.7(FRAS1):c.3824del (p.Pro1275fs)

Gene: FRAS1 (Fraser extracellular matrix complex subunit 1; plus strand). Cytogenetic location: 4q21.21.
Variant type: Deletion.
Coding change: c.3824del on transcript NM_025074.7 (MANE Select); coding-DNA position 3824, one base deleted (C; older notation c.3824delC).
Protein change: p.Pro1275fs; shifts the reading frame from proline 1275.
Molecular consequence: frameshift variant.
Genome position (GRCh38, 1-based): chr4:78,387,550, C deleted; the last of 4 consecutive C bases (chr4:78,387,547-78,387,550); deleting any one gives the same sequence. VCF-style (leftmost placement, unchanged base first): chr4-78387546-AC-A. GRCh37 (hg19) VCF-style: chr4-79308700-AC-A.
Other names: c.3824del, p.Pro1275fs (NM_001166133.2); short protein forms P1275fs.
Identifiers: ClinVar variation 5006796 (VCV005006796.2).
Genomic context (GRCh38, chr4:78,387,546, plus strand): 5'-ATTGAAATAATCGATCCTCCACTTCATGGCCAATTGCTTCAGACACTTCAGTCCCCGGCA[AC>A]CCCTATCTATCAATTCCAGCTGGATGAACTCTCTAGAGGCCTTCTCCACTATGCTCATGA-3'

ClinVar aggregate classification (germline): Likely pathogenic (1 of 4 stars; one submission).

Conditions:
Fraser syndrome 1 (FRASRS1). Also called: CRYPTOPHTHALMOS WITH OTHER MALFORMATIONS. Identifiers: Orphanet 2052, MedGen C4551480, MONDO:0054737, OMIM 219000.

Submission:

Juno Genomics, Hangzhou Juno Genomics, Inc
Classification: Likely pathogenic for Fraser syndrome 1. Review status: criteria provided, single submitter. Criteria: ACMG Guidelines, 2015. Collection method: clinical testing. Allele origin: germline.
Comment: Null variant in a gene where loss of function (LOF) is a known mechanism of disease.;Absent from controls (or at extremely low frequency if recessive) in Genome Aggregation Database.